The following is an entry in ClinVar:

ClinVar aggregate classification (germline): Pathogenic (1 of 4 stars; one submission).

Conditions:
Inborn genetic diseases. Identifiers: MedGen C0950123, MeSH D030342.

Allele frequency attached by ClinVar (database versions not stated): gnomAD exomes 0.00001.
gnomAD v4.1: 13 of 1,606,608 alleles (0.00081%); highest among the groups gnomAD compares: Non-Finnish European, 0.0011%; no homozygotes.

Submission:

Ambry Genetics
Classification: Pathogenic for Inborn genetic diseases. Last evaluated: 2022-05-10. Review status: criteria provided, single submitter. Criteria: Ambry Variant Classification Scheme 2023. Collection method: clinical testing. Allele origin: germline.
Comment: The c.1303G>T (p.E435*) alteration, located in exon 10 (coding exon 10) of the PGM2L1 gene, consists of a G to T substitution at nucleotide position 1303. This changes the amino acid from a glutamic acid (E) to a stop codon at amino acid position 435. This alteration is expected to result in loss of function by premature protein truncation or nonsense-mediated mRNA decay. This variant was not reported in population-based cohorts in the Genome Aggregation Database (gnomAD). Based on the available evidence, this alteration is classified as pathogenic.

NM_173582.6(PGM2L1):c.1303G>T (p.Glu435Ter)

Gene: PGM2L1 (phosphoglucomutase 2 like 1; minus strand). Cytogenetic location: 11q13.4.
Variant type: single nucleotide variant.
Coding change: c.1303G>T on transcript NM_173582.6 (MANE Select); coding-DNA position 1303, G replaced by T.
Protein change: p.Glu435Ter; replaces glutamic acid 435 with a stop codon.
Molecular consequence: nonsense.
Genome position (GRCh38, 1-based): chr11:74,343,332, C>A on the plus strand (G>T on the coding strand, the complement: PGM2L1 is on the minus strand). VCF-style: chr11-74343332-C-A. GRCh37 (hg19) VCF-style: chr11-74054377-C-A.
Other names: short protein forms E435*.
Identifiers: ClinVar variation 2283908 (VCV002283908.2), dbSNP rs2495900037, ClinGen allele CA381840890.